The following is an entry in ClinVar:

NM_000019.4(ACAT1):c.1159A>G (p.Ile387Val)

Gene: ACAT1 (acetyl-CoA acetyltransferase 1; plus strand). Cytogenetic location: 11q22.3.
Variant type: single nucleotide variant.
Coding change: c.1159A>G on transcript NM_000019.4 (MANE Select); coding-DNA position 1159, A replaced by G.
Protein change: p.Ile387Val; replaces isoleucine 387 with valine.
Molecular consequence: missense variant. On other transcripts: non-coding transcript variant (2).
Genome position (GRCh38, 1-based): chr11:108,146,355, A>G. VCF-style: chr11-108146355-A-G. GRCh37 (hg19) VCF-style: chr11-108017082-A-G.
Other names: c.1159A>G, p.Ile387Val (NM_001386677.1); c.844A>G, p.Ile282Val (NM_001386678.1); c.862A>G, p.Ile288Val (NM_001386679.1); c.889A>G, p.Ile297Val (NM_001386681.1, NM_001386682.1, NM_001386685.1 and 6 more transcripts); short protein forms I282V, I297V, I387V, I288V.
Identifiers: ClinVar variation 2955781 (VCV002955781.5), dbSNP rs780994047, ClinGen allele CA6263370.

ClinVar aggregate classification (germline): Conflicting classifications of pathogenicity. Review status: criteria provided, conflicting classifications (1 of 4 stars). 2 submissions from 2 submitters: Likely pathogenic (1); Uncertain significance (1). Last evaluated 2025-06-17.

Conditions:
Deficiency of acetyl-CoA acetyltransferase. Also called: MITOCHONDRIAL ACETOACETYL-CoA THIOLASE DEFICIENCY; Beta-ketothiolase deficiency; 3-KETOTHIOLASE DEFICIENCY; 3-OXOTHIOLASE DEFICIENCY. Identifiers: Orphanet 134, MedGen C1536500, MONDO:0008760, OMIM 203750. Disease mechanism: loss of function.

Allele frequency attached by ClinVar (database versions not stated): gnomAD exomes below 0.00001; TOPMed below 0.00001; gnomAD 0.00001; ExAC 0.00002.
gnomAD v4.1: 7 of 1,613,810 alleles (0.00043%); highest among the groups gnomAD compares: South Asian, 0.0033%; no homozygotes.

Submissions (2):

Women's Health and Genetics/Laboratory Corporation of America, LabCorp
Classification: Uncertain significance. Last evaluated: 2025-06-17. Review status: criteria provided, single submitter. Criteria: LabCorp Variant Classification Summary - May 2015. Collection method: clinical testing. Allele origin: germline.
Comment: Variant summary: ACAT1 c.1159A>G (p.Ile387Val) results in a conservative amino acid change located in the Thiolase, C-terminal domain (IPR020617) of the encoded protein sequence. Algorithms developed to predict the effect of missense changes on protein structure and function are either unavailable or do not agree on the potential impact of this missense change. The variant allele was found at a frequency of 8e-06 in 251314 control chromosomes. The available data on variant occurrences in the general population are insufficient to allow any conclusion about variant significance. To our knowledge, no occurrence of c.1159A>G in individuals affected with Alpha-Methylacetoacetic Aciduria and no experimental evidence demonstrating its impact on protein function have been reported. ClinVar contains an entry for this variant (Variation ID: 2955781). Based on the evidence outlined above, the variant was classified as uncertain significance.

Labcorp Genetics (formerly Invitae), Labcorp
Classification: Likely pathogenic for Deficiency of acetyl-CoA acetyltransferase. Last evaluated: 2023-11-20. Review status: criteria provided, single submitter. Criteria: Invitae Variant Classification Sherloc (09022015). Collection method: clinical testing. Allele origin: germline.
Comment: This sequence change replaces isoleucine, which is neutral and non-polar, with valine, which is neutral and non-polar, at codon 387 of the ACAT1 protein (p.Ile387Val). This variant is present in population databases (rs780994047, gnomAD 0.006%). This variant has not been reported in the literature in individuals affected with ACAT1-related conditions. Advanced modeling of protein sequence and biophysical properties (such as structural, functional, and spatial information, amino acid conservation, physicochemical variation, residue mobility, and thermodynamic stability) performed at Invitae indicates that this missense variant is expected to disrupt ACAT1 protein function with a positive predictive value of 95%. This variant disrupts the p.Ile387 amino acid residue in ACAT1. Other variant(s) that disrupt this residue have been determined to be pathogenic (PMID: 28726122). This suggests that this residue is clinically significant, and that variants that disrupt this residue are likely to be disease-causing. In summary, the currently available evidence indicates that the variant is pathogenic, but additional data are needed to prove that conclusively. Therefore, this variant has been classified as Likely Pathogenic.

Literature cited by the submitters: PubMed 28726122 (cited by Labcorp Genetics (formerly Invitae), Labcorp).